The following is an entry in ClinVar:

ClinVar aggregate classification (germline): Uncertain significance (1 of 4 stars; one submission).

Conditions:
Frontotemporal dementia and/or amyotrophic lateral sclerosis 4. Also called: FTDALS4. Identifiers: Orphanet 275872, MedGen C4225325, MONDO:0014641, OMIM 616439.

Allele frequency attached by ClinVar (database versions not stated): gnomAD 0.00001; ESP Exome Variant Server 0.00008.
gnomAD v4.1: 14 of 1,605,104 alleles (0.00087%); highest among the groups gnomAD compares: South Asian, 0.013%; no homozygotes.

Submission:

Labcorp Genetics (formerly Invitae), Labcorp
Classification: Uncertain significance for Frontotemporal dementia and/or amyotrophic lateral sclerosis 4. Last evaluated: 2023-01-12. Review status: criteria provided, single submitter. Criteria: Invitae Variant Classification Sherloc (09022015). Collection method: clinical testing. Allele origin: germline.
Comment: Advanced modeling of protein sequence and biophysical properties (such as structural, functional, and spatial information, amino acid conservation, physicochemical variation, residue mobility, and thermodynamic stability) performed at Invitae indicates that this missense variant is not expected to disrupt TBK1 protein function. ClinVar contains an entry for this variant (Variation ID: 1511112). This variant has not been reported in the literature in individuals affected with TBK1-related conditions. This variant is present in population databases (rs371955059, gnomAD 0.02%). This sequence change replaces proline, which is neutral and non-polar, with alanine, which is neutral and non-polar, at codon 101 of the TBK1 protein (p.Pro101Ala). In summary, the available evidence is currently insufficient to determine the role of this variant in disease. Therefore, it has been classified as a Variant of Uncertain Significance.

NM_013254.4(TBK1):c.301C>G (p.Pro101Ala)

Gene: TBK1 (TANK binding kinase 1; plus strand). Cytogenetic location: 12q14.2.
Variant type: single nucleotide variant.
Coding change: c.301C>G on transcript NM_013254.4 (MANE Select); coding-DNA position 301, C replaced by G.
Protein change: p.Pro101Ala; replaces proline 101 with alanine.
Molecular consequence: missense variant.
Genome position (GRCh38, 1-based): chr12:64,464,406, C>G. VCF-style: chr12-64464406-C-G. GRCh37 (hg19) VCF-style: chr12-64858186-C-G.
Other names: short protein forms P101A.
Identifiers: ClinVar variation 1511112 (VCV001511112.6), dbSNP rs371955059, ClinGen allele CA6668764.